The following is an entry in ClinVar:

NM_000836.4(GRIN2D):c.3028A>C (p.Ile1010Leu)

Gene: GRIN2D (glutamate ionotropic receptor NMDA type subunit 2D; plus strand). Cytogenetic location: 19q13.33.
Variant type: single nucleotide variant.
Coding change: c.3028A>C on transcript NM_000836.4 (MANE Select); coding-DNA position 3028, A replaced by C.
Protein change: p.Ile1010Leu; replaces isoleucine 1010 with leucine.
Molecular consequence: missense variant.
Genome position (GRCh38, 1-based): chr19:48,442,954, A>C. VCF-style: chr19-48442954-A-C. GRCh37 (hg19) VCF-style: chr19-48946211-A-C.
Other names: c.3028A>C (NM_000836.2); short protein forms I1010L.
Identifiers: ClinVar variation 1426176 (VCV001426176.7), dbSNP rs1971319479, ClinGen allele CA406674700.

ClinVar aggregate classification (germline): Uncertain significance. Review status: criteria provided, multiple submitters, no conflicts (2 of 4 stars). 2 submissions from 2 submitters: Uncertain significance (2). Last evaluated 2025-08-04.

Conditions:
Inborn genetic diseases. Identifiers: MedGen C0950123, MeSH D030342.

Allele frequency attached by ClinVar (database versions not stated): gnomAD 0.00001 and 0.00002.

Submissions (2):

Labcorp Genetics (formerly Invitae), Labcorp
Classification: Uncertain significance. Last evaluated: 2025-08-04. Review status: criteria provided, single submitter. Criteria: Invitae Variant Classification Sherloc (09022015). Collection method: clinical testing. Allele origin: germline.
Comment: This sequence change replaces isoleucine, which is neutral and non-polar, with leucine, which is neutral and non-polar, at codon 1010 of the GRIN2D protein (p.Ile1010Leu). This variant is not present in population databases (gnomAD no frequency). This variant has not been reported in the literature in individuals affected with GRIN2D-related conditions. ClinVar contains an entry for this variant (Variation ID: 1426176). Invitae Evidence Modeling of protein sequence and biophysical properties (such as structural, functional, and spatial information, amino acid conservation, physicochemical variation, residue mobility, and thermodynamic stability) indicates that this missense variant is not expected to disrupt GRIN2D protein function with a negative predictive value of 95%. In summary, the available evidence is currently insufficient to determine the role of this variant in disease. Therefore, it has been classified as a Variant of Uncertain Significance.

Ambry Genetics
Classification: Uncertain significance for Inborn genetic diseases. Last evaluated: 2023-12-04. Review status: criteria provided, single submitter. Criteria: Ambry Variant Classification Scheme 2023. Collection method: clinical testing. Allele origin: germline.